The following is an entry in ClinVar:

ClinVar aggregate classification (germline): Likely benign. Review status: criteria provided, single submitter (1 of 4 stars). 2 submissions from 2 submitters: Likely benign (1). 1 of the submissions does not count toward it. Last evaluated 2025-06-14.

Conditions:
RIN2-related disorder. Also called: RIN2-related condition.

Allele frequency attached by ClinVar (database versions not stated): ExAC 0.00001; gnomAD 0.00001; gnomAD exomes 0.00002; TOPMed 0.00003.
gnomAD v4.1: 31 of 1,613,376 alleles (0.0019%); highest among the groups gnomAD compares: Admixed American, 0.0033%; no homozygotes.

Submissions (2):

Labcorp Genetics (formerly Invitae), Labcorp
Classification: Likely benign. Last evaluated: 2025-06-14. Review status: criteria provided, single submitter. Criteria: Invitae Variant Classification Sherloc (09022015). Collection method: clinical testing. Allele origin: germline.

PreventionGenetics, part of Exact Sciences
Classification: Likely benign for RIN2-related condition. Last evaluated: 2024-05-13. Review status: no assertion criteria provided. Collection method: clinical testing. Allele origin: germline. Not counted in ClinVar's aggregate classification.
Comment: This variant is classified as likely benign based on ACMG/AMP sequence variant interpretation guidelines (Richards et al. 2015 PMID: 25741868, with internal and published modifications).

NM_018993.4(RIN2):c.591G>A (p.Ser197=)

Gene: RIN2 (Ras and Rab interactor 2; plus strand). Cytogenetic location: 20p11.23.
Variant type: single nucleotide variant.
Coding change: c.591G>A on transcript NM_018993.4 (MANE Select); coding-DNA position 591, G replaced by A.
Protein change: p.Ser197=; no amino-acid change (serine 197 retained).
Molecular consequence: synonymous variant. On other transcripts: 5 prime UTR variant (1).
Genome position (GRCh38, 1-based): chr20:19,970,892, G>A. VCF-style: chr20-19970892-G-A. GRCh37 (hg19) VCF-style: chr20-19951536-G-A.
Other names: c.738G>A (NM_001242581.1); c.738G>A, p.Ser246= (NM_001242581.2); c.-28G>A (NM_001378238.1).
Identifiers: ClinVar variation 1566571 (VCV001566571.9), dbSNP rs766158565, ClinGen allele CA9779874.
Genomic context (GRCh38, chr20:19,970,892, plus strand): 5'-AATCAGGGATGTTCTACCATTTACCTTGAAGTTGCCTTATGCCATTTCAACAGCCAAGTC[G>A]GAGGCTCAGCTTGAAGAACTGGCCCAGATGGGACTAAGTAAGTGTGTGCCCCCTGCCTGA-3'
Protein context (NP_061866.1, residues 187-207): KLPYAISTAK[Ser197=]EAQLEELAQM